The following is an entry in ClinVar:

NM_000059.4(BRCA2):c.8168A>G (p.Asp2723Gly)

Gene: BRCA2 (BRCA2 DNA repair associated; plus strand). Cytogenetic location: 13q13.1.
Variant type: single nucleotide variant.
Coding change: c.8168A>G on transcript NM_000059.4 (MANE Select); coding-DNA position 8168, A replaced by G.
Protein change: p.Asp2723Gly; replaces aspartic acid 2723 with glycine.
Molecular consequence: missense variant.
Genome position (GRCh38, 1-based): chr13:32,363,370, A>G. VCF-style: chr13-32363370-A-G. GRCh37 (hg19) VCF-style: chr13-32937507-A-G.
Other names: 8396A>G; short protein forms D2723G.
Identifiers: ClinVar variation 38141 (VCV000038141.51), dbSNP rs41293513, ClinGen allele CA025484.

ClinVar aggregate classification (germline): Pathogenic. Review status: reviewed by expert panel (3 of 4 stars). 21 submissions from 21 submitters: Pathogenic (1). 20 of the submissions do not count toward it. Last evaluated 2015-08-10.

Conditions:
Pancreatic cancer, susceptibility to, 2. Identifiers: Orphanet 1333, MedGen C3150546, MONDO:0013235, OMIM 613347.
Glioma susceptibility 3 (GLM3). Also called: Glioblastoma 3. Identifiers: Orphanet 182067, Orphanet 360, MedGen C2751641, MONDO:0013093, OMIM 613029.
Familial prostate cancer. Also called: Hereditary Prostate Cancer. Identifiers: MedGen C2931456, MONDO:0700275, OMIM 176807.
Breast-ovarian cancer, familial, susceptibility to, 2 (BROVCA2). Also called: BRCA2 Hereditary Breast and Ovarian Cancer. Identifiers: Orphanet 145, MedGen C2675520, MONDO:0012933, OMIM 612555. Disease mechanism: loss of function.
Fanconi anemia complementation group D1. Also called: BRCA2-Related Fanconi Anemia. Identifiers: Orphanet 319462, MedGen C1838457, MONDO:0011584, OMIM 605724.
Medulloblastoma (MDB). Also called: Medulloblastoma, somatic; MEDULLOBLASTOMA PREDISPOSITION SYNDROME. Identifiers: Orphanet 616, MedGen C0025149, MeSH D008527, MONDO:0007959, OMIM 155255, HP:0002885.
Wilms tumor 1 (WT1). Also called: Wilms tumor, somatic. Identifiers: Orphanet 654, MedGen CN033288, MONDO:0008679, OMIM 194070.
Familial cancer of breast. Also called: BREAST CANCER, FAMILIAL; hereditary breast carcinoma; Hereditary breast cancer. Identifiers: Orphanet 227535, MedGen C0346153, MONDO:0016419, OMIM 114480. Disease mechanism: loss of function.
Breast and/or ovarian cancer. Identifiers: MedGen CN221562.
Gastric cancer. Also called: Malignant tumor of stomach; Stomach cancer. Identifiers: MedGen C0024623, MeSH D013274, MONDO:0001056, OMIM 613659, HP:0012126.
Hereditary cancer-predisposing syndrome. Also called: Neoplastic Syndromes, Hereditary; Tumor predisposition; Hereditary Cancer Syndrome; Hereditary neoplastic syndrome. Identifiers: Orphanet 140162, MedGen C0027672, MeSH D009386, MONDO:0015356.
Hereditary breast ovarian cancer syndrome. Also called: Breast and ovarian cancer; Hereditary breast and ovarian cancer; Hereditary breast and ovarian cancer syndrome (HBOC); Hereditary breast and ovarian cancer syndrome; BRCA1- and BRCA2-Associated Hereditary Breast and Ovarian Cancer; Hereditary breast and/or ovarian cancer syndrome. Identifiers: Orphanet 145, MedGen C0677776, MeSH D061325, MONDO:0003582. Disease mechanism: loss of function.

Allele frequency attached by ClinVar (database versions not stated): TOPMed below 0.00001.
gnomAD v4.1: 1 of 1,614,162 alleles (0.000062%); highest among the groups gnomAD compares: Non-Finnish European, 0.000085%; no homozygotes.

Submissions 1 to 7 of 21:

Evidence-based Network for the Interpretation of Germline Mutant Alleles (ENIGMA)
Classification: Pathogenic for Breast-ovarian cancer, familial 2. Last evaluated: 2015-08-10. Review status: reviewed by expert panel. Criteria: ENIGMA BRCA1/2 Classification Criteria (2015). Collection method: curation. Allele origin: germline.
Comment: IARC class based on posterior probability from multifactorial likelihood analysis, thresholds for class as per Plon et al. 2008 (PMID: 18951446). Class 5 based on posterior probability = 1

Institute of Medical Genetics and Applied Genomics, University Hospital Tübingen
Classification: Pathogenic for Hereditary breast ovarian cancer syndrome. Last evaluated: 2026-09-08. Review status: criteria provided, single submitter. Criteria: ACMG Guidelines, 2015. Collection method: clinical testing. Allele origin: germline. Inheritance: Autosomal dominant inheritance. Affected: yes. Not counted in ClinVar's aggregate classification.

Labcorp Genetics (formerly Invitae), Labcorp
Classification: Pathogenic for Hereditary breast ovarian cancer syndrome. Last evaluated: 2026-01-26. Review status: criteria provided, single submitter. Criteria: Invitae Variant Classification Sherloc (09022015). Collection method: clinical testing. Allele origin: germline. Not counted in ClinVar's aggregate classification.
Comment: This sequence change replaces aspartic acid, which is acidic and polar, with glycine, which is neutral and non-polar, at codon 2723 of the BRCA2 protein (p.Asp2723Gly). This variant is not present in population databases (gnomAD no frequency). This missense change has been observed in individual(s) with clinical features of BRCA2-related conditions (PMID: 25452441, 27886673). ClinVar contains an entry for this variant (Variation ID: 38141). Invitae Evidence Modeling incorporating data from in vitro experimental studies (PMID: 33609447) indicates that this missense variant is expected to disrupt BRCA2 function with a positive predictive value of 95%. Experimental studies have shown that this missense change affects BRCA2 function (PMID: 18451181, 20513136, 21673748, 25146914). RNA analysis performed to evaluate the impact of this missense change on mRNA splicing indicates it does not significantly alter splicing (internal data). This variant disrupts the p.Asp2723 amino acid residue in BRCA2. Other variant(s) that disrupt this residue have been determined to be pathogenic (PMID: 15290653, 15695382, 16489001, 18607349, 24013206). This suggests that this residue is clinically significant, and that variants that disrupt this residue are likely to be disease-causing. For these reasons, this variant has been classified as Pathogenic.

Variantyx, Inc.
Classification: Pathogenic for Breast-ovarian cancer, familial, susceptibility to, 2. Last evaluated: 2025-07-28. Review status: criteria provided, single submitter. Criteria: Variantyx Assertion Criteria 2022. Collection method: clinical testing. Allele origin: germline. Inheritance: Autosomal dominant inheritance. Affected: yes. Not counted in ClinVar's aggregate classification.
Comment: This is a nonsynonymous variant in the BRCA2 gene (OMIM: 600185). Pathogenic variants in this gene have been associated with autosomal dominant susceptibility to familial breast-ovarian cancer 2. This missense variant ihas been shown to result in abnormal splicing leading to loss of function, which is a known disease mechanism for BRCA2 in this disorder (PMID: 20513136) (PVS1) and functionla studies have demonstrated duced homologous recombination and increased centrosome amplification (PMID:18451181;20513136, 21673748, 25146914)). Moreover, several alternate amino acid changes at this position ((p.D2723H, p.D2723A, p.D2723V) have been previously reported in similarly affected individuals (PM5). This variant has a 0.0001% maximum allele frequency in non-founder control populations (PM2). Other reputable laboratories have reported this variant as pathogenic or likely pathogenic, and this classification has been validated by an expert panel in ClinVar (PP5). Based on the current evidence, this variant is classified as pathogenic for autosomal dominant susceptibility to familial breast-ovarian cancer 2.

GeneKor MSA
Classification: Pathogenic for Hereditary breast ovarian cancer syndrome. Last evaluated: 2025-06-23. Review status: criteria provided, single submitter. Criteria: ACMG Guidelines, 2015. Collection method: clinical testing. Allele origin: germline. Affected: yes. Not counted in ClinVar's aggregate classification.
Comment: This sequence change replaces aspartic acid with glycine at codon 2723 of the BRCA2 protein (p.Asp2723Gly). This missense change has been observed in individual(s) with clinical features of BRCA2-related conditions (PMID:25452441, 27886673). Experimental studies have shown that this missense variant affects BRCA2 function (PMID:20215541, 27886673, 20513136).This variant is not present in population databases (rs41293513).The mutation database ClinVar contains entries for this variant (VCV000038141.46). Other variant(s) that disrupt this residue have been determined to be pathogenic (PMID:15290653, 15695382, 16489001, 18607349, 24013206).Based on the classification criteria set by the ACMG and AMP (PMID:25741868) this variant has been classified as pathogenic.

Women's Health and Genetics/Laboratory Corporation of America, LabCorp
Classification: Pathogenic for Hereditary breast ovarian cancer syndrome. Last evaluated: 2025-04-29. Review status: criteria provided, single submitter. Criteria: LabCorp Variant Classification Summary - May 2015. Collection method: clinical testing. Allele origin: germline. Not counted in ClinVar's aggregate classification.
Comment: Variant summary: BRCA2 c.8168A>G (p.Asp2723Gly) results in a non-conservative amino acid change located in the OB1 (oligonucleotide binding) fold (IPR015187) of the encoded protein sequence. Five of five in-silico tools predict a damaging effect of the variant on protein function. Several computational tools also predict a significant impact on normal splicing: Three predict that the variant creates a crytpic exonic 5' donor site. These predictions are corroborated by publications reporting experimental evidence that the variant affects mRNA splicing (examples-Sanz_2010, Walker_2010, Rodriguez-Balada_2016). The variant was absent in 252684 control chromosomes (gnomAD). c.8168A>G has been reported in the literature in multiple individuals affected with Hereditary Breast and Ovarian Cancer (examples- Farrugia_2008, Walker_2010, Couch_2015, Rodrigez-Balada_2016, Alvarez_2017, Rebbeck_2018). These data indicate that the variant is very likely to be associated with disease. Seven other ClinVar submitters, including one expert panel, have cited the variant as pathogenic (evaluation after 2014). Based on the evidence outlined above, the variant was classified as pathogenic.

Department of Pathology and Laboratory Medicine, Sinai Health System
Classification: Pathogenic for Familial cancer of breast; Breast-ovarian cancer, familial, susceptibility to, 2. Last evaluated: 2025-02-19. Review status: criteria provided, single submitter. Criteria: ACMG Guidelines, 2015. Collection method: clinical testing. Allele origin: germline. Affected: yes. Not counted in ClinVar's aggregate classification.